The following is an entry in ClinVar:

ClinVar aggregate classification (germline): Uncertain significance (1 of 4 stars; one submission).

Conditions:
Retinoblastoma (RB1). Also called: RETINOBLASTOMA, SOMATIC. Identifiers: Orphanet 790, MedGen C0035335, MeSH D012175, MONDO:0008380, OMIM 180200, HP:0009919. Disease mechanism: loss of function. Inheritance: Both sporadic and heritable forms are tested..

Submission:

Labcorp Genetics (formerly Invitae), Labcorp
Classification: Uncertain significance for Retinoblastoma. Last evaluated: 2022-05-26. Review status: criteria provided, single submitter. Criteria: Invitae Variant Classification Sherloc (09022015). Collection method: clinical testing. Allele origin: germline.
Comment: This sequence change replaces threonine, which is neutral and polar, with alanine, which is neutral and non-polar, at codon 633 of the RB1 protein (p.Thr633Ala). This variant is not present in population databases (gnomAD no frequency). This variant has not been reported in the literature in individuals affected with RB1-related conditions. Algorithms developed to predict the effect of missense changes on protein structure and function output the following: SIFT: "Tolerated"; PolyPhen-2: "Benign"; Align-GVGD: "Class C0". The alanine amino acid residue is found in multiple mammalian species, which suggests that this missense change does not adversely affect protein function. In summary, the available evidence is currently insufficient to determine the role of this variant in disease. Therefore, it has been classified as a Variant of Uncertain Significance.

NM_000321.3(RB1):c.1897A>G (p.Thr633Ala)

Gene: RB1 (RB transcriptional corepressor 1; plus strand). Cytogenetic location: 13q14.2.
Variant type: single nucleotide variant.
Coding change: c.1897A>G on transcript NM_000321.3 (MANE Select); coding-DNA position 1897, A replaced by G.
Protein change: p.Thr633Ala; replaces threonine 633 with alanine.
Molecular consequence: missense variant.
Genome position (GRCh38, 1-based): chr13:48,456,286, A>G. VCF-style: chr13-48456286-A-G. GRCh37 (hg19) VCF-style: chr13-49030422-A-G.
Other names: c.1897A>G, p.Thr633Ala (NM_001407165.1); short protein forms T633A.
Identifiers: ClinVar variation 2191492 (VCV002191492.4), dbSNP rs1566234088, ClinGen allele CA388166045.